The following is an entry in ClinVar:

NM_201384.3(PLEC):c.9674A>G (p.Tyr3225Cys)

Gene: PLEC (plectin; minus strand). Cytogenetic location: 8q24.3.
Variant type: single nucleotide variant.
Coding change: c.9674A>G on transcript NM_201384.3 (MANE Select); coding-DNA position 9674, A replaced by G.
Protein change: p.Tyr3225Cys; replaces tyrosine 3225 with cysteine.
Molecular consequence: missense variant.
Genome position (GRCh38, 1-based): chr8:143,920,147, T>C on the plus strand (A>G on the coding strand, the complement: PLEC is on the minus strand). VCF-style: chr8-143920147-T-C. GRCh37 (hg19) VCF-style: chr8-144994315-T-C.
Other names: c.9755A>G (NM_000445.3); c.9755A>G, p.Tyr3252Cys (NM_000445.5); c.9632A>G, p.Tyr3211Cys (NM_201378.4); c.9608A>G, p.Tyr3203Cys (NM_201379.3); c.10085A>G, p.Tyr3362Cys (NM_201380.4); c.9578A>G, p.Tyr3193Cys (NM_201381.3); c.9674A>G, p.Tyr3225Cys (NM_201382.4); c.9686A>G, p.Tyr3229Cys (NM_201383.3); short protein forms Y3211C, Y3203C, Y3225C, Y3252C, Y3229C, Y3362C, Y3193C.
Identifiers: ClinVar variation 471677 (VCV000471677.9), dbSNP rs782582266, ClinGen allele CA4924892.
Genomic context (GRCh38, chr8:143,920,147, plus strand): 5'-CCACCCACGGGGACCTCAACCGGGGTCTTTTCAAAGGTCTCACGGGCCTGCAGCTCTGAG[T>C]AGAGCTCCTCCTGCCGGGCCCGAGCAGCCTTTTCTGAGAGCGGCAGCAGGCTCAGCCCGG-3'
Protein context (NP_958786.1, residues 3215-3235): KAARARQEEL[Tyr3225Cys]SELQARETFE

ClinVar aggregate classification (germline): Uncertain significance. Review status: criteria provided, multiple submitters, no conflicts (2 of 4 stars). 2 submissions from 2 submitters: Uncertain significance (2). Last evaluated 2025-11-05.

Conditions:
Epidermolysis bullosa simplex with nail dystrophy (EBS5D). Identifiers: MedGen C4225309, MONDO:0014661, OMIM 616487.
Epidermolysis bullosa simplex, Ogna type (EBS5A). Also called: Pidermolysis bullosa simplex 5A, Ogna type; EPIDERMOLYSIS BULLOSA SIMPLEX 5A, OGNA TYPE. Identifiers: Orphanet 79401, MedGen C0432317, MONDO:0007555, OMIM 131950.
Autosomal recessive limb-girdle muscular dystrophy type 2Q (LGMDR17). Also called: MUSCULAR DYSTROPHY, LIMB-GIRDLE, AUTOSOMAL RECESSIVE 17. Identifiers: Orphanet 254361, MedGen C3150989, MONDO:0013390, OMIM 613723.
Epidermolysis bullosa simplex 5C, with pyloric atresia (EBS5C). Also called: PLEC-Related Epidermolysis Bullosa with Pyloric Atresia; Epidermolysis bullosa simplex with pyloric atresia; PLEC1-Related Epidermolysis Bullosa with Pyloric Atresia. Identifiers: Orphanet 158684, MedGen C2677349, MONDO:0012807, OMIM 612138.
Epidermolysis bullosa simplex 5B, with muscular dystrophy (EBS5B). Also called: EPIDERMOLYSIS BULLOSA SIMPLEX AND LIMB-GIRDLE MUSCULAR DYSTROPHY; Epidermolysis bullosa simplex with muscular dystrophy. Identifiers: Orphanet 257, MedGen C2931072, MONDO:0009181, OMIM 226670.
Inborn genetic diseases. Identifiers: MedGen C0950123, MeSH D030342.

Allele frequency attached by ClinVar (database versions not stated): ExAC 0.00002; gnomAD exomes 0.00002; TOPMed 0.00002.
gnomAD v4.1: 7 of 1,612,682 alleles (0.00043%); highest among the groups gnomAD compares: Admixed American, 0.012%; no homozygotes.

Submissions (2):

Ambry Genetics
Classification: Uncertain significance for Inborn genetic diseases. Last evaluated: 2025-11-05. Review status: criteria provided, single submitter. Criteria: Ambry Variant Classification Scheme 2023. Collection method: clinical testing. Allele origin: germline.

Labcorp Genetics (formerly Invitae), Labcorp
Classification: Uncertain significance for Autosomal recessive limb-girdle muscular dystrophy type 2Q; Epidermolysis bullosa simplex, Ogna type; Epidermolysis bullosa simplex with nail dystrophy; Epidermolysis bullosa simplex 5C, with pyloric atresia; Epidermolysis bullosa simplex 5B, with muscular dystrophy. Last evaluated: 2022-11-08. Review status: criteria provided, single submitter. Criteria: Invitae Variant Classification Sherloc (09022015). Collection method: clinical testing. Allele origin: germline.
Comment: Algorithms developed to predict the effect of missense changes on protein structure and function output the following: SIFT: "Deleterious"; PolyPhen-2: "Benign"; Align-GVGD: "Class C35". The cysteine amino acid residue is found in multiple mammalian species, which suggests that this missense change does not adversely affect protein function. ClinVar contains an entry for this variant (Variation ID: 471677). This variant has not been reported in the literature in individuals affected with PLEC-related conditions. This variant is present in population databases (rs782582266, gnomAD 0.01%). This sequence change replaces tyrosine, which is neutral and polar, with cysteine, which is neutral and slightly polar, at codon 3252 of the PLEC protein (p.Tyr3252Cys). In summary, the available evidence is currently insufficient to determine the role of this variant in disease. Therefore, it has been classified as a Variant of Uncertain Significance.